The following is an entry in ClinVar:

NM_003118.4(SPARC):c.861C>T (p.Ala287=)

Genes: SPARC (secreted protein acidic and cysteine rich; minus strand), LOC126807556 (MED14-independent group 3 enhancer GRCh37_chr5:151042798-151043997; plus strand). Cytogenetic location: 5q33.1.
Variant type: single nucleotide variant.
Coding change: c.861C>T on transcript NM_003118.4 (MANE Select); coding-DNA position 861, C replaced by T.
Protein change: p.Ala287=; no amino-acid change (alanine 287 retained).
Molecular consequence: synonymous variant.
Genome position (GRCh38, 1-based): chr5:151,664,109, G>A on the plus strand (C>T on the coding strand, the complement: SPARC is on the minus strand). VCF-style: chr5-151664109-G-A. GRCh37 (hg19) VCF-style: chr5-151043670-G-A.
Other names: c.858C>T, p.Ala286= (NM_001309443.2); c.861C>T, p.Ala287= (NM_001309444.2).
Identifiers: ClinVar variation 733348 (VCV000733348.16), dbSNP rs143692773, ClinGen allele CA3522557.

ClinVar aggregate classification (germline): Benign/Likely benign. Review status: criteria provided, multiple submitters, no conflicts (2 of 4 stars). 4 submissions from 4 submitters: Benign (2); Likely benign (1). 1 of the submissions does not count toward it. Last evaluated 2026-01-18.

Conditions:
SPARC-related disorder. Also called: SPARC-related condition.
Osteogenesis imperfecta (OI). Identifiers: Orphanet 666, MedGen C0029434, MeSH D010013, MONDO:0019019.

Allele frequency attached by ClinVar (database versions not stated): gnomAD 0.00008 and 0.00096; TOPMed 0.00009; ESP Exome Variant Server 0.00015; gnomAD exomes 0.00351; ExAC 0.00376; 1000 Genomes Project 0.00459; 1000 Genomes Project 30x 0.00515.
gnomAD v4.1: 2,874 of 1,614,172 alleles (0.18%); highest among the groups gnomAD compares: South Asian, 3%; 53 homozygotes.

Submissions (4):

Labcorp Genetics (formerly Invitae), Labcorp
Classification: Benign. Last evaluated: 2026-01-18. Review status: criteria provided, single submitter. Criteria: Invitae Variant Classification Sherloc (09022015). Collection method: clinical testing. Allele origin: germline.

Genome Diagnostics Laboratory, The Hospital for Sick Children
Classification: Benign for Osteogenesis imperfecta. Last evaluated: 2021-05-13. Review status: criteria provided, single submitter. Criteria: ACMG Guidelines, 2015. Collection method: clinical testing. Allele origin: germline.

GeneDx
Classification: Likely benign. Last evaluated: 2020-04-24. Review status: criteria provided, single submitter. Criteria: GeneDx Variant Classification Process June 2021. Collection method: clinical testing. Allele origin: germline. Affected: yes.

PreventionGenetics, part of Exact Sciences
Classification: Benign for SPARC-related condition. Last evaluated: 2019-06-19. Review status: no assertion criteria provided. Collection method: clinical testing. Allele origin: germline. Not counted in ClinVar's aggregate classification.
Comment: This variant is classified as benign based on ACMG/AMP sequence variant interpretation guidelines (Richards et al. 2015 PMID: 25741868, with internal and published modifications).